The following is an entry in ClinVar:

NM_007214.5(SEC63):c.2025T>A (p.Asp675Glu)

Gene: SEC63 (SEC63 protein translocation regulator; minus strand). Cytogenetic location: 6q21.
Variant type: single nucleotide variant.
Coding change: c.2025T>A on transcript NM_007214.5 (MANE Select); coding-DNA position 2025, T replaced by A.
Protein change: p.Asp675Glu; replaces aspartic acid 675 with glutamic acid.
Molecular consequence: missense variant.
Genome position (GRCh38, 1-based): chr6:107,876,573, A>T on the plus strand (T>A on the coding strand, the complement: SEC63 is on the minus strand). VCF-style: chr6-107876573-A-T. GRCh37 (hg19) VCF-style: chr6-108197777-A-T.
Other names: short protein forms D675E.
Identifiers: ClinVar variation 906564 (VCV000906564.10), dbSNP rs141211769, ClinGen allele CA3947170.

ClinVar aggregate classification (germline): Conflicting classifications of pathogenicity. Review status: criteria provided, conflicting classifications (1 of 4 stars). 5 submissions from 5 submitters: Uncertain significance (2); Benign (1); Likely benign (1). 1 of the submissions does not count toward it. Last evaluated 2024-10-06.

Conditions:
Polycystic liver disease 2 (PCLD2). Also called: Polycystic liver disease 2 with or without kidney cysts. Identifiers: Orphanet 2924, MedGen C4310769, MONDO:0014860, OMIM 617004.
Inborn genetic diseases. Identifiers: MedGen C0950123, MeSH D030342.
SEC63-related disorder. Also called: SEC63-related condition.

Allele frequency attached by ClinVar (database versions not stated): ExAC 0.00006; ESP Exome Variant Server 0.00008; gnomAD exomes 0.00010 and 0.00021; gnomAD 0.00012.
gnomAD v4.1: 325 of 1,590,782 alleles (0.02%); highest among the groups gnomAD compares: Non-Finnish European, 0.026%; no homozygotes.

Submissions (5):

Labcorp Genetics (formerly Invitae), Labcorp
Classification: Uncertain significance. Last evaluated: 2024-10-06. Review status: criteria provided, single submitter. Criteria: Invitae Variant Classification Sherloc (09022015). Collection method: clinical testing. Allele origin: germline.
Comment: This sequence change replaces aspartic acid, which is acidic and polar, with glutamic acid, which is acidic and polar, at codon 675 of the SEC63 protein (p.Asp675Glu). This variant is present in population databases (rs141211769, gnomAD 0.02%). This variant has not been reported in the literature in individuals affected with SEC63-related conditions. ClinVar contains an entry for this variant (Variation ID: 906564). An algorithm developed to predict the effect of missense changes on protein structure and function outputs the following: PolyPhen-2: "Benign". The glutamic acid amino acid residue is found in multiple mammalian species, which suggests that this missense change does not adversely affect protein function. In summary, the available evidence is currently insufficient to determine the role of this variant in disease. Therefore, it has been classified as a Variant of Uncertain Significance.

Ambry Genetics
Classification: Uncertain significance for Inborn genetic diseases. Last evaluated: 2024-03-11. Review status: criteria provided, single submitter. Criteria: Ambry Variant Classification Scheme 2023. Collection method: clinical testing. Allele origin: germline.

Fulgent Genetics
Classification: Likely benign for Polycystic liver disease 2. Last evaluated: 2022-04-07. Review status: criteria provided, single submitter. Criteria: ACMG Guidelines, 2015. Collection method: clinical testing. Allele origin: unknown.

Illumina Laboratory Services, Illumina
Classification: Benign for Polycystic liver disease 2. Last evaluated: 2018-03-14. Review status: criteria provided, single submitter. Criteria: ICSL Variant Classification Criteria 13 December 2019. Collection method: clinical testing. Allele origin: germline.
Comment: This variant was observed in the ICSL laboratory as part of a predisposition screen in an ostensibly healthy population. It had not been previously curated by ICSL or reported in the Human Gene Mutation Database (HGMD: prior to June 1st, 2018), and was therefore a candidate for classification through an automated scoring system. Utilizing variant allele frequency, disease prevalence and penetrance estimates, and inheritance mode, an automated score was calculated to assess if this variant is too frequent to cause the disease. Based on the score and internal cut-off values, a variant classified as benign is not then subjected to further curation. The score for this variant resulted in a classification of benign for this disease.

PreventionGenetics, part of Exact Sciences
Classification: Uncertain significance for SEC63-related condition. Last evaluated: 2024-07-23. Review status: no assertion criteria provided. Collection method: clinical testing. Allele origin: germline. Not counted in ClinVar's aggregate classification.
Comment: The SEC63 c.2025T>A variant is predicted to result in the amino acid substitution p.Asp675Glu. To our knowledge, this variant has not been reported in the literature. This variant is reported in 0.019% of alleles in individuals of European (Non-Finnish) descent in gnomAD, which may be too common to be a primary cause of disease. Although we suspect that this variant may be benign, at this time, the clinical significance of this variant is uncertain due to the absence of conclusive functional and genetic evidence.